The following is an entry in ClinVar:

NM_016097.5(IER3IP1):c.239T>G (p.Leu80Ter)

Gene: IER3IP1 (immediate early response 3 interacting protein 1; minus strand). Cytogenetic location: 18q21.1.
Variant type: single nucleotide variant.
Coding change: c.239T>G on transcript NM_016097.5 (MANE Select); coding-DNA position 239, T replaced by G.
Protein change: p.Leu80Ter; replaces leucine 80 with a stop codon.
Molecular consequence: nonsense.
Genome position (GRCh38, 1-based): chr18:47,156,187, A>C on the plus strand (T>G on the coding strand, the complement: IER3IP1 is on the minus strand). VCF-style: chr18-47156187-A-C. GRCh37 (hg19) VCF-style: chr18-44682558-A-C.
Other names: short protein forms L80*.
Identifiers: ClinVar variation 655282 (VCV000655282.9), dbSNP rs1599991332, ClinGen allele CA402489603.

ClinVar aggregate classification (germline): Uncertain significance (1 of 4 stars; one submission).

Conditions:
Microcephaly, epilepsy, and diabetes syndrome. Identifiers: Orphanet 306558, MedGen C3280240, MONDO:0100328.

Submission:

Labcorp Genetics (formerly Invitae), Labcorp
Classification: Uncertain significance for Microcephaly, epilepsy, and diabetes syndrome. Last evaluated: 2019-06-26. Review status: criteria provided, single submitter. Criteria: Invitae Variant Classification Sherloc (09022015). Collection method: clinical testing. Allele origin: germline.
Comment: In summary, the available evidence is currently insufficient to determine the role of this variant in disease. Therefore, it has been classified as a Variant of Uncertain Significance. Experimental studies and prediction algorithms are not available for this variant, and the functional significance of the affected amino acid(s) is currently unknown. This variant has not been reported in the literature in individuals with IER3IP1-related disease. This variant is not present in population databases (ExAC no frequency). This sequence change results in a premature translational stop signal in the IER3IP1 gene (p.Leu80*). While this is not anticipated to result in nonsense mediated decay, it is expected to disrupt the last 3 amino acids of the IER3IP1 protein.